The following is an entry in ClinVar:

NM_000038.6(APC):c.5703C>G (p.Thr1901=)

Gene: APC (APC regulator of Wnt signaling pathway; plus strand). Cytogenetic location: 5q22.2.
Variant type: single nucleotide variant.
Coding change: c.5703C>G on transcript NM_000038.6 (MANE Select); coding-DNA position 5703, C replaced by G.
Protein change: p.Thr1901=; no amino-acid change (threonine 1901 retained).
Molecular consequence: synonymous variant. On other transcripts: non-coding transcript variant (2).
Genome position (GRCh38, 1-based): chr5:112,841,297, C>G. VCF-style: chr5-112841297-C-G. GRCh37 (hg19) VCF-style: chr5-112176994-C-G.
Other names: c.5703C>G, p.Thr1901= (NM_001127510.3, NM_001354895.2, NM_001407450.1); c.5649C>G, p.Thr1883= (NM_001127511.3); c.5757C>G, p.Thr1919= (NM_001354896.2, NM_001407447.1, NM_001407448.1 and 1 more transcripts); c.5733C>G, p.Thr1911= (NM_001354897.2); c.5628C>G, p.Thr1876= (NM_001354898.2); c.5619C>G, p.Thr1873= (NM_001354899.2); c.5580C>G, p.Thr1860= (NM_001354900.2); c.5526C>G, p.Thr1842= (NM_001354901.2, NM_001407453.1); and 12 more.
Identifiers: ClinVar variation 2819275 (VCV002819275.5), dbSNP rs1766016604, ClinGen allele CA446209384.

ClinVar aggregate classification (germline): Benign/Likely benign. Review status: criteria provided, multiple submitters, no conflicts (2 of 4 stars). 3 submissions from 3 submitters: Benign (1); Likely benign (2). Last evaluated 2025-10-08.

Conditions:
Hereditary cancer-predisposing syndrome. Also called: Neoplastic Syndromes, Hereditary; Tumor predisposition; Hereditary Cancer Syndrome; Hereditary neoplastic syndrome. Identifiers: Orphanet 140162, MedGen C0027672, MeSH D009386, MONDO:0015356.
Familial adenomatous polyposis 1 (FAP1). Also called: FAMILIAL ADENOMATOUS POLYPOSIS 1, ATTENUATED; POLYPOSIS, ADENOMATOUS INTESTINAL. Identifiers: MedGen C2713442, MONDO:0021056, OMIM 175100. Disease mechanism: loss of function.

Submissions (3):

Labcorp Genetics (formerly Invitae), Labcorp
Classification: Likely benign for Familial adenomatous polyposis 1. Last evaluated: 2025-10-08. Review status: criteria provided, single submitter. Criteria: Invitae Variant Classification Sherloc (09022015). Collection method: clinical testing. Allele origin: germline.

Ambry Genetics
Classification: Likely benign for Hereditary cancer-predisposing syndrome. Last evaluated: 2025-03-29. Review status: criteria provided, single submitter. Criteria: Ambry Variant Classification Scheme 2023. Collection method: clinical testing. Allele origin: germline.

Myriad Genetics, Inc.
Classification: Benign for Familial adenomatous polyposis 1. Last evaluated: 2024-04-02. Review status: criteria provided, single submitter. Criteria: Myriad Autosomal Dominant, Autosomal Recessive and X-Linked Classification Criteria (2023). Collection method: clinical testing. Allele origin: unknown.
Comment: This variant is considered benign. This variant is a silent/synonymous amino acid change and it is not expected to impact splicing.